The following is an entry in ClinVar:

NM_003356.4(UCP3):c.147G>A (p.Ala49=)

Gene: UCP3 (uncoupling protein 3; minus strand). Cytogenetic location: 11q13.4.
Variant type: single nucleotide variant.
Coding change: c.147G>A on transcript NM_003356.4 (MANE Select); coding-DNA position 147, G replaced by A.
Protein change: p.Ala49=; no amino-acid change (alanine 49 retained).
Molecular consequence: synonymous variant.
Genome position (GRCh38, 1-based): chr11:74,006,359, C>T on the plus strand (G>A on the coding strand, the complement: UCP3 is on the minus strand). VCF-style: chr11-74006359-C-T. GRCh37 (hg19) VCF-style: chr11-73717404-C-T.
Other names: c.147G>A, p.Ala49= (NM_022803.3).
Identifiers: ClinVar variation 3031853 (VCV003031853.2), dbSNP rs201580635, ClinGen allele CA6181613.

ClinVar aggregate classification (germline): Likely benign (0 of 4 stars; one submission).

Conditions:
UCP3-related disorder. Also called: UCP3-related condition.

Allele frequency attached by ClinVar (database versions not stated): ExAC 0.00001.
gnomAD v4.1: 41 of 1,577,716 alleles (0.0026%); highest among the groups gnomAD compares: Middle Eastern, 0.034%; no homozygotes.

Submission:

PreventionGenetics, part of Exact Sciences
Classification: Likely benign for UCP3-related condition. Last evaluated: 2023-04-05. Review status: no assertion criteria provided. Collection method: clinical testing. Allele origin: germline.
Comment: This variant is classified as likely benign based on ACMG/AMP sequence variant interpretation guidelines (Richards et al. 2015 PMID: 25741868, with internal and published modifications).